The following is an entry in ClinVar:

ClinVar aggregate classification (germline): Uncertain significance (1 of 4 stars; one submission).

gnomAD v4.1: 20 of 1,614,042 alleles (0.0012%); highest among the groups gnomAD compares: Non-Finnish European, 0.0017%; no homozygotes.

Submissions (2):

GeneDx
Classification: Uncertain significance. Last evaluated: 2023-06-01. Review status: criteria provided, single submitter. Criteria: GeneDx Variant Classification Process June 2021. Collection method: clinical testing. Allele origin: germline. Affected: yes.
Comment: Not observed at significant frequency in large population cohorts (gnomAD); In silico analysis supports that this missense variant does not alter protein structure/function; Has not been previously published as pathogenic or benign to our knowledge

Dr. Peter K. Rogan Lab, Western University
No classification provided (evidence only). Condition: Nonpapillary renal cell carcinoma. Review status: no classification provided. Collection method: in vitro. Allele origin: not applicable. Functional consequence: retained intron. Not counted in ClinVar's aggregate classification.

NM_003235.5(TG):c.5188C>A (p.Arg1730Ser)

Gene: TG (thyroglobulin; plus strand). Cytogenetic location: 8q24.22.
Variant type: single nucleotide variant.
Coding change: c.5188C>A on transcript NM_003235.5 (MANE Select); coding-DNA position 5188, C replaced by A.
Protein change: p.Arg1730Ser; replaces arginine 1730 with serine.
Molecular consequence: missense variant.
Genome position (GRCh38, 1-based): chr8:132,941,497, C>A. VCF-style: chr8-132941497-C-A. GRCh37 (hg19) VCF-style: chr8-133953742-C-A.
Other names: NC_000008.10:g.133953742C>A; short protein forms R1730S.
Identifiers: ClinVar variation 3359373 (VCV003359373.2).